The following is an entry in ClinVar:

NM_005633.4(SOS1):c.2489A>G (p.Asn830Ser)

Gene: SOS1 (SOS Ras/Rac guanine nucleotide exchange factor 1; minus strand). Cytogenetic location: 2p22.1.
Variant type: single nucleotide variant.
Coding change: c.2489A>G on transcript NM_005633.4 (MANE Select); coding-DNA position 2489, A replaced by G.
Protein change: p.Asn830Ser; replaces asparagine 830 with serine.
Molecular consequence: missense variant.
Genome position (GRCh38, 1-based): chr2:39,010,605, T>C on the plus strand (A>G on the coding strand, the complement: SOS1 is on the minus strand). VCF-style: chr2-39010605-T-C. GRCh37 (hg19) VCF-style: chr2-39237746-T-C.
Other names: p.N830S:AAC>AGC; c.2468A>G, p.Asn823Ser (NM_001382394.1); c.2489A>G, p.Asn830Ser (NM_001382395.1); short protein forms N830S, N823S.
Identifiers: ClinVar variation 181538 (VCV000181538.19), dbSNP rs397517158, ClinGen allele CA297213.

ClinVar aggregate classification (germline): Uncertain significance. Review status: criteria provided, multiple submitters, no conflicts (2 of 4 stars). 10 submissions from 9 submitters: Uncertain significance (9). 1 of the submissions does not count toward it. Last evaluated 2026-06-18.

Conditions:
Cardiovascular phenotype. Identifiers: MedGen CN230736.
SOS1-related disorder. Also called: SOS1-related condition.
RASopathy. Also called: rasopathies; Noonan spectrum disorder. Identifiers: Orphanet 536391, MedGen C5555857, MONDO:0021060.
Noonan syndrome 4 (NS4). Also called: SOS1-Related Noonan Syndrome; NOONAN SYNDROME WITH PIGMENTED VILLONODULAR SYNOVITIS. Identifiers: Orphanet 648, MedGen C1853120, MONDO:0012547, OMIM 610733.
Fibromatosis, gingival, 1 (GINGF1). Identifiers: Orphanet 2024, MedGen C4551558, MONDO:0007609, OMIM 135300.

Allele frequency attached by ClinVar (database versions not stated): gnomAD 0.00001; gnomAD exomes 0.00001; ExAC 0.00002.
gnomAD v4.1: 14 of 1,610,968 alleles (0.00087%); highest among the groups gnomAD compares: East Asian, 0.0067%; no homozygotes.

Submissions (10):

Women's Health and Genetics/Laboratory Corporation of America, LabCorp
Classification: Uncertain significance. Last evaluated: 2026-06-18. Review status: criteria provided, single submitter. Criteria: LabCorp Variant Classification Summary - May 2015. Collection method: clinical testing. Allele origin: germline.
Comment: Variant summary: SOS1 c.2489A>G (p.Asn830Ser) results in a conservative amino acid change in the encoded protein sequence. Algorithms developed to predict the effect of missense changes on protein structure and function are either unavailable or do not agree on the potential impact of this missense change. The variant allele was found at a frequency of 8e-06 in 251188 control chromosomes. The available data on variant occurrences in the general population are insufficient to allow any conclusion about variant significance. To our knowledge, no occurrence of c.2489A>G in individuals affected with SOS1-related conditions and no experimental evidence demonstrating its impact on protein function have been reported. ClinVar contains an entry for this variant (Variation ID: 181538). Based on the evidence outlined above, the variant was classified as uncertain significance.

Ambry Genetics
Classification: Uncertain significance for Cardiovascular phenotype. Last evaluated: 2025-10-29. Review status: criteria provided, single submitter. Criteria: Ambry Variant Classification Scheme 2023. Collection method: clinical testing. Allele origin: germline.

Labcorp Genetics (formerly Invitae), Labcorp
Classification: Uncertain significance for RASopathy. Last evaluated: 2025-08-11. Review status: criteria provided, single submitter. Criteria: Invitae Variant Classification Sherloc (09022015). Collection method: clinical testing. Allele origin: germline.
Comment: This sequence change replaces asparagine, which is neutral and polar, with serine, which is neutral and polar, at codon 830 of the SOS1 protein (p.Asn830Ser). This variant is present in population databases (rs397517158, gnomAD 0.002%). This variant has not been reported in the literature in individuals affected with SOS1-related conditions. ClinVar contains an entry for this variant (Variation ID: 181538). Invitae Evidence Modeling of protein sequence and biophysical properties (such as structural, functional, and spatial information, amino acid conservation, physicochemical variation, residue mobility, and thermodynamic stability) has been performed for this missense variant. However, the output from this modeling did not meet the statistical confidence thresholds required to predict the impact of this variant on SOS1 protein function. In summary, the available evidence is currently insufficient to determine the role of this variant in disease. Therefore, it has been classified as a Variant of Uncertain Significance.

Blueprint Genetics
Classification: Uncertain significance. Last evaluated: 2023-10-12. Review status: criteria provided, single submitter. Criteria: ACMG Guidelines, 2015. Collection method: clinical testing. Allele origin: germline.

GeneDx
Classification: Uncertain significance. Last evaluated: 2021-03-08. Review status: criteria provided, single submitter. Criteria: GeneDx Variant Classification Process June 2021. Collection method: clinical testing. Allele origin: germline. Affected: yes.
Comment: Missense variants in this gene are often considered pathogenic (Stenson et al., 2014); In silico analysis supports that this missense variant has a deleterious effect on protein structure/function; Has not been previously published as pathogenic or benign to our knowledge

Centre for Mendelian Genomics, University Medical Centre Ljubljana
Classification: Uncertain significance for Fibromatosis, gingival, 1. Last evaluated: 2019-10-11. Review status: criteria provided, single submitter. Criteria: ACMG Guidelines, 2015. Collection method: clinical testing. Allele origin: unknown. Affected: yes.
Comment: This variant was classified as: Uncertain significance. The available evidence favors the pathogenic nature of this variant, however the currently available data is insufficient to conclusively support its pathogenic nature. Thus this variant is classified as Uncertain significance - favor pathogenic. The following ACMG criteria were applied in classifying this variant: PP1,PP3,PP4.

Breakthrough Genomics
Classification: Uncertain significance. Review status: criteria provided, single submitter. Criteria: ACMG Guidelines, 2015. Collection method: not provided. Allele origin: germline. Inheritance: Autosomal dominant inheritance. Affected: yes.

Genome-Nilou Lab
Classification: Uncertain significance for Noonan syndrome 4. Review status: criteria provided, single submitter. Criteria: ACMG Guidelines, 2015. Collection method: clinical testing. Allele origin: germline.

Genome-Nilou Lab
Classification: Uncertain significance for Fibromatosis, gingival, 1. Review status: criteria provided, single submitter. Criteria: ACMG Guidelines, 2015. Collection method: clinical testing. Allele origin: germline.

PreventionGenetics, part of Exact Sciences
Classification: Uncertain significance for SOS1-related condition. Last evaluated: 2024-02-13. Review status: no assertion criteria provided. Collection method: clinical testing. Allele origin: germline. Not counted in ClinVar's aggregate classification.
Comment: The SOS1 c.2489A>G variant is predicted to result in the amino acid substitution p.Asn830Ser. To our knowledge, this variant has not been reported in the literature. This variant is reported in 0.0018% of alleles in individuals of European (Non-Finnish) descent in gnomAD. At this time, the clinical significance of this variant is uncertain due to the absence of conclusive functional and genetic evidence.